The following is an entry in ClinVar:

NM_022455.5(NSD1):c.7126del (p.Glu2376fs)

Gene: NSD1 (nuclear receptor binding SET domain protein 1; plus strand). Cytogenetic location: 5q35.3.
Variant type: Deletion.
Coding change: c.7126del on transcript NM_022455.5 (MANE Select); coding-DNA position 7126, one base deleted (G; older notation c.7126delG).
Protein change: p.Glu2376fs; shifts the reading frame from glutamic acid 2376.
Molecular consequence: frameshift variant.
Genome position (GRCh38, 1-based): chr5:177,294,494, G deleted; the last of 2 consecutive G bases (chr5:177,294,493-177,294,494); deleting either gives the same sequence. VCF-style (leftmost placement, unchanged base first): chr5-177294492-TG-T. GRCh37 (hg19) VCF-style: chr5-176721493-TG-T.
Other names: c.6253del, p.Glu2085fs (NM_001365684.2, NM_001409308.1, NM_172349.5); c.7126del, p.Glu2376fs (NM_001409301.1, NM_001409302.1, NM_001409303.1); c.6706del, p.Glu2236fs (NM_001409304.1); c.6373del, p.Glu2125fs (NM_001409305.1); c.6364del, p.Glu2122fs (NM_001409306.1, NM_001409307.1); c.6004del, p.Glu2002fs (NM_001409309.1); short protein forms E2002fs, E2085fs, E2122fs, E2125fs, E2236fs, E2376fs.
Identifiers: ClinVar variation 3383195 (VCV003383195.2).

ClinVar aggregate classification (germline): Likely pathogenic (1 of 4 stars; one submission).

Conditions:
Sotos syndrome (SOTOS). Also called: CHROMOSOME 5q35 DELETION SYNDROME; SOTOS SYNDROME 1; CEREBRAL GIGANTISM; Sotos' syndrome; Distinctive facial appearance, overgrowth in childhood, and learning disabilities or delayed development. Identifiers: Orphanet 821, MedGen C0175695, MONDO:0019349, OMIM 117550.

Submission:

Juno Genomics, Hangzhou Juno Genomics, Inc
Classification: Likely pathogenic for Sotos syndrome. Review status: criteria provided, single submitter. Criteria: ACMG Guidelines, 2015. Collection method: clinical testing. Allele origin: germline. Affected: yes.
Comment: Absent from controls (or at extremely low frequency if recessive) in Genome Aggregation Database, Exome Sequencing Project, 1000 Genomes Project, or Exome Aggregation Consortium.;Null variant in a gene where loss of function (LOF) is a known mechanism of disease.;Assumed de novo, but without confirmation of paternity and maternity.